The following is an entry in ClinVar:

NM_001430.5(EPAS1):c.218-12C>A

Gene: EPAS1 (endothelial PAS domain protein 1; plus strand). Cytogenetic location: 2p21.
Variant type: single nucleotide variant.
Coding change: c.218-12C>A on transcript NM_001430.5 (MANE Select); 12 bases into the intron before coding-DNA position 218, C replaced by A.
Molecular consequence: intron variant.
Genome position (GRCh38, 1-based): chr2:46,356,139, C>A. VCF-style: chr2-46356139-C-A. GRCh37 (hg19) VCF-style: chr2-46583278-C-A.
Other names: NC_000002.11:g.46583278C>A.
Identifiers: ClinVar variation 336237 (VCV000336237.32), dbSNP rs202210836, ClinGen allele CA1644547.

ClinVar aggregate classification (germline): Benign/Likely benign. Review status: criteria provided, multiple submitters, no conflicts (2 of 4 stars). 4 submissions from 4 submitters: Benign (2); Likely benign (2). Last evaluated 2026-08-01.

Conditions:
Erythrocytosis, familial, 4 (ECYT4). Identifiers: Orphanet 247511, MedGen C2673187, MONDO:0012729, OMIM 611783.

Allele frequency attached by ClinVar (database versions not stated): 1000 Genomes Project 0.00020.
gnomAD v4.1: 9,756 of 1,353,870 alleles (0.72%); highest among the groups gnomAD compares: Non-Finnish European, 0.94%; 85 homozygotes.

Submissions (6):

CeGaT Center for Human Genetics Tuebingen
Classification: Likely benign. Last evaluated: 2026-08-01. Review status: criteria provided, single submitter. Criteria: CeGaT Center For Human Genetics Tuebingen Variant Classification Criteria Version 2. Collection method: clinical testing. Allele origin: germline. Affected: yes. Observed: 14 variant alleles.
Comment: EPAS1: BS2

Blueprint Genetics
Classification: Likely benign. Last evaluated: 2024-11-06. Review status: criteria provided, single submitter. Criteria: ACMG Guidelines, 2015. Collection method: clinical testing. Allele origin: germline.

Illumina Laboratory Services, Illumina
Classification: Benign for Erythrocytosis, familial, 4. Last evaluated: 2018-01-13. Review status: criteria provided, single submitter. Criteria: ICSL Variant Classification Criteria 13 December 2019. Collection method: clinical testing. Allele origin: germline.
Comment: This variant was observed in the ICSL laboratory as part of a predisposition screen in an ostensibly healthy population. It had not been previously curated by ICSL or reported in the Human Gene Mutation Database (HGMD: prior to June 1st, 2018), and was therefore a candidate for classification through an automated scoring system. Utilizing variant allele frequency, disease prevalence and penetrance estimates, and inheritance mode, an automated score was calculated to assess if this variant is too frequent to cause the disease. Based on the score and internal cut-off values, a variant classified as benign is not then subjected to further curation. The score for this variant resulted in a classification of benign for this disease.

Breakthrough Genomics
Classification: Benign. Review status: criteria provided, single submitter. Criteria: ACMG Guidelines, 2015. Collection method: not provided. Allele origin: germline. Inheritance: Autosomal dominant inheritance. Affected: yes.

Dr. Peter K. Rogan Lab, Western University
No classification provided (evidence only). Condition: Familial pancreatic carcinoma. Review status: no classification provided. Collection method: in vitro. Allele origin: not applicable. Functional consequence: retained intron. Not counted in ClinVar's aggregate classification.

Dr. Peter K. Rogan Lab, Western University
No classification provided (evidence only). Condition: Familial pancreatic carcinoma. Review status: no classification provided. Collection method: in vitro. Allele origin: not applicable. Functional consequence: retained intron. Not counted in ClinVar's aggregate classification.